The following is an entry in ClinVar:

ClinVar aggregate classification (germline): Uncertain significance (1 of 4 stars; one submission).

Submission:

Labcorp Genetics (formerly Invitae), Labcorp
Classification: Uncertain significance. Last evaluated: 2024-06-19. Review status: criteria provided, single submitter. Criteria: Invitae Variant Classification Sherloc (09022015). Collection method: clinical testing. Allele origin: germline.
Comment: This sequence change replaces lysine, which is basic and polar, with asparagine, which is neutral and polar, at codon 91 of the LYN protein (p.Lys91Asn). This variant is not present in population databases (gnomAD no frequency). This variant has not been reported in the literature in individuals affected with LYN-related conditions. An algorithm developed to predict the effect of missense changes on protein structure and function (PolyPhen-2) suggests that this variant is likely to be disruptive. In summary, the available evidence is currently insufficient to determine the role of this variant in disease. Therefore, it has been classified as a Variant of Uncertain Significance.

NM_002350.4(LYN):c.273A>C (p.Lys91Asn)

Gene: LYN (LYN proto-oncogene, Src family tyrosine kinase; plus strand). Cytogenetic location: 8q12.1.
Variant type: single nucleotide variant.
Coding change: c.273A>C on transcript NM_002350.4 (MANE Select); coding-DNA position 273, A replaced by C.
Protein change: p.Lys91Asn; replaces lysine 91 with asparagine.
Molecular consequence: missense variant.
Genome position (GRCh38, 1-based): chr8:55,947,712, A>C. VCF-style: chr8-55947712-A-C. GRCh37 (hg19) VCF-style: chr8-56860271-A-C.
Other names: c.210A>C, p.Lys70Asn (NM_001111097.3); short protein forms K70N, K91N.
Identifiers: ClinVar variation 3656974 (VCV003656974.2).